The following is an entry in ClinVar:

ClinVar aggregate classification (germline): Likely benign (1 of 4 stars; one submission).

gnomAD v4.1: 48 of 152,256 alleles (0.032%); highest among the groups gnomAD compares: Non-Finnish European, 0.065%; no homozygotes.

Submission:

CeGaT Center for Human Genetics Tuebingen
Classification: Likely benign. Last evaluated: 2026-04-01. Review status: criteria provided, single submitter. Criteria: CeGaT Center For Human Genetics Tuebingen Variant Classification Criteria Version 2. Collection method: clinical testing. Allele origin: germline. Affected: yes. Observed: 2 variant alleles.
Comment: SOS1: BS2

NM_001382394.1(SOS1):c.10A>G (p.Arg4Gly)

Gene: SOS1 (SOS Ras/Rac guanine nucleotide exchange factor 1; minus strand). Cytogenetic location: 2p22.1.
Variant type: single nucleotide variant.
Coding change: c.10A>G on transcript NM_001382394.1; coding-DNA position 10, A replaced by G.
Protein change: p.Arg4Gly; replaces arginine 4 with glycine.
Molecular consequence: missense variant.
Genome position (GRCh38, 1-based): chr2:39,124,720, T>C on the plus strand (A>G on the coding strand, the complement: SOS1 is on the minus strand). VCF-style: chr2-39124720-T-C. GRCh37 (hg19) VCF-style: chr2-39351861-T-C.
Other names: short protein forms R4G.
Identifiers: ClinVar variation 4821987 (VCV004821987.4).